The following is an entry in ClinVar:

ClinVar aggregate classification (germline): Pathogenic (1 of 4 stars; one submission).

Submission:

GeneDx
Classification: Pathogenic. Last evaluated: 2021-09-30. Review status: criteria provided, single submitter. Criteria: GeneDx Variant Classification Process June 2021. Collection method: clinical testing. Allele origin: germline. Affected: yes.
Comment: Canonical splice site variant predicted to result in a null allele in a gene for which loss-of-function is a known mechanism of disease; Not observed at significant frequency in large population cohorts (Lek et al., 2016)

NM_002547.3(OPHN1):c.1834+1G>T

Gene: OPHN1 (oligophrenin 1; minus strand). Cytogenetic location: Xq12.
Variant type: single nucleotide variant.
Coding change: c.1834+1G>T on transcript NM_002547.3 (MANE Select); the canonical splice donor site of the intron after coding-DNA position 1834, G replaced by T.
Molecular consequence: splice donor variant.
Genome position (GRCh38, 1-based): chrX:68,073,151, C>A on the plus strand (G>T on the coding strand, the complement: OPHN1 is on the minus strand). VCF-style: chrX-68073151-C-A. GRCh37 (hg19) VCF-style: chrX-67292993-C-A.
Identifiers: ClinVar variation 546456 (VCV000546456.4), dbSNP rs1253923818, ClinGen allele CA413431218.